The following is an entry in ClinVar:

ClinVar aggregate classification (germline): Likely benign. Review status: criteria provided, multiple submitters, no conflicts (2 of 4 stars). 2 submissions from 2 submitters: Likely benign (2). Last evaluated 2026-01-21.

Conditions:
Charcot-Marie-Tooth disease type 4. Also called: Charcot-Marie-Tooth disease, type IV; Charcot-Marie-Tooth, Type 4. Identifiers: Orphanet 64749, MedGen C4082197, MONDO:0018995.

Allele frequency attached by ClinVar (database versions not stated): gnomAD 0.00003; gnomAD exomes 0.00003 and 0.00008; TOPMed 0.00005; ExAC 0.00006.
gnomAD v4.1: 36 of 1,210,648 alleles (0.003%); highest among the groups gnomAD compares: Admixed American, 0.042%; no homozygotes.

Submissions (2):

Labcorp Genetics (formerly Invitae), Labcorp
Classification: Likely benign for Charcot-Marie-Tooth disease type 4. Last evaluated: 2026-01-21. Review status: criteria provided, single submitter. Criteria: Invitae Variant Classification Sherloc (09022015). Collection method: clinical testing. Allele origin: germline.

GeneDx
Classification: Likely benign. Last evaluated: 2016-12-30. Review status: criteria provided, single submitter. Criteria: GeneDx Variant Classification (06012015). Collection method: clinical testing. Allele origin: germline. Affected: yes.
Comment: This variant is considered likely benign or benign based on one or more of the following criteria: it is a conservative change, it occurs at a poorly conserved position in the protein, it is predicted to be benign by multiple in silico algorithms, and/or has population frequency not consistent with disease.

NM_030962.4(SBF2):c.993G>A (p.Leu331=)

Gene: SBF2 (SET binding factor 2; minus strand). Cytogenetic location: 11p15.4.
Variant type: single nucleotide variant.
Coding change: c.993G>A on transcript NM_030962.4 (MANE Select); coding-DNA position 993, G replaced by A.
Protein change: p.Leu331=; no amino-acid change (leucine 331 retained).
Molecular consequence: synonymous variant.
Genome position (GRCh38, 1-based): chr11:9,993,981, C>T on the plus strand (G>A on the coding strand, the complement: SBF2 is on the minus strand). VCF-style: chr11-9993981-C-T. GRCh37 (hg19) VCF-style: chr11-10015528-C-T.
Other names: c.993G>A, p.Leu331= (NM_001386339.1, NM_001386342.1).
Identifiers: ClinVar variation 392214 (VCV000392214.10), dbSNP rs766193938, ClinGen allele CA5881940.